The following is an entry in ClinVar:

ClinVar aggregate classification (germline): Uncertain significance. Review status: criteria provided, multiple submitters, no conflicts (2 of 4 stars). 2 submissions from 2 submitters: Uncertain significance (2). Last evaluated 2024-05-06.

Conditions:
Hereditary spastic paraplegia 53. Also called: Spastic paraplegia 53, autosomal recessive. Identifiers: Orphanet 319199, MedGen C3539494, MONDO:0013962, OMIM 614898.

Allele frequency attached by ClinVar (database versions not stated): ExAC 0.00001; gnomAD 0.00001; gnomAD exomes 0.00001; TOPMed 0.00001.
gnomAD v4.1: 3 of 1,611,998 alleles (0.00019%); highest among the groups gnomAD compares: East Asian, 0.0045%; no homozygotes.

Submissions (2):

Ambry Genetics
Classification: Uncertain significance. Last evaluated: 2024-05-06. Review status: criteria provided, single submitter. Criteria: Ambry Variant Classification Scheme 2023. Collection method: clinical testing. Allele origin: germline.

Labcorp Genetics (formerly Invitae), Labcorp
Classification: Uncertain significance for Hereditary spastic paraplegia 53. Last evaluated: 2020-03-11. Review status: criteria provided, single submitter. Criteria: Invitae Variant Classification Sherloc (09022015). Collection method: clinical testing. Allele origin: germline.
Comment: In summary, the available evidence is currently insufficient to determine the role of this variant in disease. Therefore, it has been classified as a Variant of Uncertain Significance. Algorithms developed to predict the effect of missense changes on protein structure and function are either unavailable or do not agree on the potential impact of this missense change (SIFT: "Deleterious"; PolyPhen-2: "Benign"; Align-GVGD: "Class C15"). This variant has not been reported in the literature in individuals with VPS37A-related conditions. This variant is present in population databases (rs759116675, ExAC 0.01%). This sequence change replaces glutamic acid with lysine at codon 249 of the VPS37A protein (p.Glu249Lys). The glutamic acid residue is highly conserved and there is a small physicochemical difference between glutamic acid and lysine.

NM_152415.3(VPS37A):c.745G>A (p.Glu249Lys)

Gene: VPS37A (VPS37A subunit of ESCRT-I; plus strand). Cytogenetic location: 8p22.
Variant type: single nucleotide variant.
Coding change: c.745G>A on transcript NM_152415.3 (MANE Select); coding-DNA position 745, G replaced by A.
Protein change: p.Glu249Lys; replaces glutamic acid 249 with lysine.
Molecular consequence: missense variant.
Genome position (GRCh38, 1-based): chr8:17,280,059, G>A. VCF-style: chr8-17280059-G-A. GRCh37 (hg19) VCF-style: chr8-17137568-G-A.
Other names: c.745G>A (NM_152415.2); c.670G>A, p.Glu224Lys (NM_001145152.2); c.745G>A, p.Glu249Lys (NM_001363167.1, NM_001363173.2); c.475G>A, p.Glu159Lys (NM_001363168.1, NM_001363169.1, NM_001363170.1 and 2 more transcripts); short protein forms E224K, E159K, E249K.
Identifiers: ClinVar variation 1041314 (VCV001041314.6), dbSNP rs759116675, ClinGen allele CA4643489.